The following is an entry in ClinVar:

ClinVar aggregate classification (germline): Uncertain significance. Review status: criteria provided, multiple submitters, no conflicts (2 of 4 stars). 2 submissions from 2 submitters: Uncertain significance (2). Last evaluated 2025-06-03.

Allele frequency attached by ClinVar (database versions not stated): gnomAD 0.00001; ExAC 0.00009.

Submissions (2):

Labcorp Genetics (formerly Invitae), Labcorp
Classification: Uncertain significance. Last evaluated: 2025-06-03. Review status: criteria provided, single submitter. Criteria: Invitae Variant Classification Sherloc (09022015). Collection method: clinical testing. Allele origin: germline.
Comment: This sequence change replaces lysine, which is basic and polar, with glutamic acid, which is acidic and polar, at codon 978 of the LAMA1 protein (p.Lys978Glu). The frequency data for this variant in the population databases is considered unreliable, as metrics indicate poor data quality at this position in the gnomAD database. This variant has not been reported in the literature in individuals affected with LAMA1-related conditions. ClinVar contains an entry for this variant (Variation ID: 808352). Invitae Evidence Modeling of protein sequence and biophysical properties (such as structural, functional, and spatial information, amino acid conservation, physicochemical variation, residue mobility, and thermodynamic stability) indicates that this missense variant is not expected to disrupt LAMA1 protein function with a negative predictive value of 80%. In summary, the available evidence is currently insufficient to determine the role of this variant in disease. Therefore, it has been classified as a Variant of Uncertain Significance.

CeGaT Center for Human Genetics Tuebingen
Classification: Uncertain significance. Last evaluated: 2022-11-01. Review status: criteria provided, single submitter. Criteria: CeGaT Center For Human Genetics Tuebingen Variant Classification Criteria Version 2. Collection method: clinical testing. Allele origin: germline. Affected: yes. Observed: 4 variant alleles.
Comment: LAMA1: PM2, BP4, BP5

NM_005559.4(LAMA1):c.2932A>G (p.Lys978Glu)

Gene: LAMA1 (laminin subunit alpha 1; minus strand). Cytogenetic location: 18p11.31.
Variant type: single nucleotide variant.
Coding change: c.2932A>G on transcript NM_005559.4 (MANE Select); coding-DNA position 2932, A replaced by G.
Protein change: p.Lys978Glu; replaces lysine 978 with glutamic acid.
Molecular consequence: missense variant.
Genome position (GRCh38, 1-based): chr18:7,016,548, T>C on the plus strand (A>G on the coding strand, the complement: LAMA1 is on the minus strand). VCF-style: chr18-7016548-T-C. GRCh37 (hg19) VCF-style: chr18-7016547-T-C.
Other names: short protein forms K978E.
Identifiers: ClinVar variation 808352 (VCV000808352.42), dbSNP rs764398676, ClinGen allele CA8882462.